The following is an entry in ClinVar:

NM_001267550.2(TTN):c.47551G>A (p.Val15851Ile)

Genes: TTN (titin; minus strand), TTN-AS1 (TTN antisense RNA 1; plus strand). Cytogenetic location: 2q31.2.
Variant type: single nucleotide variant.
Coding change: c.47551G>A on transcript NM_001267550.2 (MANE Select); coding-DNA position 47551, G replaced by A.
Protein change: p.Val15851Ile; replaces valine 15851 with isoleucine.
Molecular consequence: missense variant.
Genome position (GRCh38, 1-based): chr2:178,617,800, C>T on the plus strand (G>A on the coding strand, the complement: TTN is on the minus strand). VCF-style: chr2-178617800-C-T. GRCh37 (hg19) VCF-style: chr2-179482527-C-T.
Other names: c.42628G>A, p.Val14210Ile (NM_001256850.1); c.20356G>A, p.Val6786Ile (NM_003319.4); c.39847G>A, p.Val13283Ile (NM_133378.4); c.20731G>A, p.Val6911Ile (NM_133432.3); c.20932G>A, p.Val6978Ile (NM_133437.4); short protein forms V15851I, V6911I, V6978I, V13283I, V14210I, V6786I.
Identifiers: ClinVar variation 4978530 (VCV004978530.1).

ClinVar aggregate classification (germline): Uncertain significance (1 of 4 stars; one submission).

Conditions:
TTN-related disorder. Also called: TTN-related condition; TTN-related disease; TTN-related disorders.

gnomAD v4.1: 45 of 1,612,274 alleles (0.0028%); highest among the groups gnomAD compares: African/African-American, 0.011%; no homozygotes.

Submission:

PreventionGenetics, part of Exact Sciences
Classification: Uncertain significance for TTN-related condition. Last evaluated: 2026-03-18. Review status: criteria provided, single submitter. Criteria: ACMG Guidelines, 2015. Collection method: clinical testing. Allele origin: germline.
Comment: The TTN c.47551G>A variant is predicted to result in the amino acid substitution p.Val15851Ile. To our knowledge, this variant has not been reported in the literature. This variant is reported in 0.0097% of alleles in individuals of Ashkenazi Jewish descent in gnomAD. At this time, the clinical significance of this variant is uncertain due to the absence of conclusive functional and genetic evidence.